The following is an entry in ClinVar:

NM_000486.6(AQP2):c.763C>T (p.Gln255Ter)

Genes: AQP2 (aquaporin 2; plus strand), AQP5-AS1 (AQP5 and AQP2 antisense RNA 2; minus strand). Cytogenetic location: 12q13.12.
Variant type: single nucleotide variant.
Coding change: c.763C>T on transcript NM_000486.6 (MANE Select); coding-DNA position 763, C replaced by T.
Protein change: p.Gln255Ter; replaces glutamine 255 with a stop codon.
Molecular consequence: nonsense.
Genome position (GRCh38, 1-based): chr12:49,955,555, C>T. VCF-style: chr12-49955555-C-T. GRCh37 (hg19) VCF-style: chr12-50349338-C-T.
Other names: short protein forms Q255*.
Identifiers: ClinVar variation 285666 (VCV000285666.15), dbSNP rs370879515, ClinGen allele CA6559361.

ClinVar aggregate classification (germline): Pathogenic/Likely pathogenic. Review status: criteria provided, multiple submitters, no conflicts (2 of 4 stars). 5 submissions from 5 submitters: Pathogenic (2); Likely pathogenic (3). Last evaluated 2026-08-21.

Conditions:
Diabetes insipidus, nephrogenic, autosomal (NDI2). Also called: Nephrogenic Diabetes Insipidus, Type II; Diabetes insipidus, nephrogenic, 2, autosomal. Identifiers: Orphanet 223, MedGen C1563706, MONDO:0007451, OMIM 125800.
AQP2-related disorder. Also called: AQP2-related condition.
Nephrogenic diabetes insipidus. Identifiers: Orphanet 223, MedGen C0162283, MONDO:0016383, HP:0009806.

Allele frequency attached by ClinVar (database versions not stated): ExAC 0.00001; gnomAD exomes 0.00002; TOPMed 0.00005; gnomAD 0.00006 and 0.00007; ESP Exome Variant Server 0.00008; 1000 Genomes Project 30x 0.00016.

Submissions (5):

PreventionGenetics, part of Exact Sciences
Classification: Likely pathogenic for AQP2-related condition. Last evaluated: 2026-08-21. Review status: criteria provided, single submitter. Criteria: ACMG Guidelines, 2015. Collection method: clinical testing. Allele origin: germline.
Comment: The AQP2 c.763C>T variant is predicted to result in premature protein termination (p.Gln255*). This variant is located near the end of the terminal exon in AQP2. It has been reported in the compound heterozygous state with another predicted causative AQP2 variant in an affected individual (Ashton et al. 2018. PubMed ID: 29398133). Other causative changes have been documented overlapping this alteration, as well as up and downstream. Both autosomal dominant and autosomal recessive inheritance modes are reported for this disorder. The AQP2 protein (NM_000486.5) contains 271 amino acids with the stop codon at position 272. Terminal exon nonsense and frameshift variants that result in premature protein termination, as seen in this patient, typically result in autosomal recessive inheritance (e.g., c.652delC p.(Leu218Serfs*20) Marr et al. 2002. PubMed ID: 12191971; c.707_720dup, p.(Leu240_Glu241insCys*), Schon et al. 2021. PubMed ID: 34732400). By contrast, terminal exon frameshifts that result in protein elongation typically cause an autosomal dominant phenotype (i.e., c.763_772del, p.(Gln255Serfs*77), Kuwahara et al. 2001. PubMed ID: 11536078; c.779dupA, p.(His260Glnfs*20), Kamsteeg et al. 2003. PubMed ID: 14662748; c.775delC, p.(Leu259Cysfs*76) and c.750del p.(Val251Cysfs*84) Sasaki et al. 2013. PubMed ID: 23150186). This variant is reported in 0.0052% of alleles in individuals of European (Non-Finnish) descent in gnomAD. Nonsense variants in the terminal exon of AQP2 are expected to be pathogenic for autosomal recessive disease. This variant is interpreted as likely pathogenic.

Natera, Inc.
Classification: Likely pathogenic for Nephrogenic diabetes insipidus. Last evaluated: 2025-09-22. Review status: criteria provided, single submitter. Criteria: Natera Variant Classification Schema (03/2026). Collection method: clinical testing. Allele origin: germline.
Comment: The c.763C>T variant in AQP2 is a nonsense variant predicted to introduce a stop codon at amino acid 255. This variant is expected to result in nonsense mediated decay, truncation, or a dysfunctional protein product. This variant is rare in the general population with a frequency below the threshold expected for the associated phenotype(s). This variant has been observed in one or more individuals affected with the associated recessive disease, as either homozygous or compound heterozygous with a second variant (PMID: 29398133). Given the available evidence, this variant is classified as Likely Pathogenic.

Fulgent Genetics
Classification: Likely pathogenic for Diabetes insipidus, nephrogenic, autosomal. Last evaluated: 2024-06-20. Review status: criteria provided, single submitter. Criteria: ACMG Guidelines, 2015. Collection method: clinical testing. Allele origin: germline.

Labcorp Genetics (formerly Invitae), Labcorp
Classification: Pathogenic. Last evaluated: 2024-01-21. Review status: criteria provided, single submitter. Criteria: Invitae Variant Classification Sherloc (09022015). Collection method: clinical testing. Allele origin: germline.
Comment: This sequence change creates a premature translational stop signal (p.Gln255*) in the AQP2 gene. While this is not anticipated to result in nonsense mediated decay, it is expected to disrupt the last 17 amino acid(s) of the AQP2 protein. This variant is present in population databases (rs370879515, gnomAD 0.005%). This variant has not been reported in the literature in individuals affected with AQP2-related conditions. ClinVar contains an entry for this variant (Variation ID: 285666). This variant disrupts a region of the AQP2 protein in which other variant(s) (p.Pro262Leu) have been determined to be pathogenic (PMID: 9550615, 15509592, 18431594). This suggests that this is a clinically significant region of the protein, and that variants that disrupt it are likely to be disease-causing. For these reasons, this variant has been classified as Pathogenic.

Eurofins Ntd Llc (ga)
Classification: Pathogenic. Last evaluated: 2016-01-21. Review status: criteria provided, single submitter. Criteria: EGL Classification Definitions 2015. Collection method: clinical testing. Allele origin: germline. Observed: 1 variant allele, 1 heterozygote.

Literature cited by the submitters: PubMed 29398133 (cited by Natera, Inc.); PubMed 9550615 (cited by Labcorp Genetics (formerly Invitae), Labcorp); PubMed 15509592 (cited by Labcorp Genetics (formerly Invitae), Labcorp); PubMed 18431594 (cited by Labcorp Genetics (formerly Invitae), Labcorp).